The following is an entry in ClinVar:

ClinVar aggregate classification (germline): Uncertain significance (1 of 4 stars; one submission).

Conditions:
Hereditary cancer-predisposing syndrome. Also called: Neoplastic Syndromes, Hereditary; Tumor predisposition; Hereditary Cancer Syndrome; Hereditary neoplastic syndrome. Identifiers: Orphanet 140162, MedGen C0027672, MeSH D009386, MONDO:0015356.

Submission:

Ambry Genetics
Classification: Uncertain significance for Hereditary cancer-predisposing syndrome. Last evaluated: 2026-03-10. Review status: criteria provided, single submitter. Criteria: Ambry Variant Classification Scheme 2023. Collection method: clinical testing. Allele origin: germline.
Comment: The c.2001+12T>G intronic variant results from a T to G substitution 12 nucleotides after coding exon 10 in the BARD1 gene. This nucleotide position is well conserved in available vertebrate species. In silico splice site analysis predicts that this alteration may result in the creation or strengthening of a novel splice donor site; however, direct evidence is insufficient at this time (Ambry internal data). Based on the available evidence, the clinical significance of this variant remains unclear.

NM_000465.4(BARD1):c.2001+12T>G

Gene: BARD1 (BRCA1 associated RING domain 1; minus strand). Cytogenetic location: 2q35.
Variant type: single nucleotide variant.
Coding change: c.2001+12T>G on transcript NM_000465.4 (MANE Select); 12 bases into the intron after coding-DNA position 2001, T replaced by G.
Molecular consequence: intron variant.
Genome position (GRCh38, 1-based): chr2:214,730,399, A>C on the plus strand (T>G on the coding strand, the complement: BARD1 is on the minus strand). VCF-style: chr2-214730399-A-C. GRCh37 (hg19) VCF-style: chr2-215595123-A-C.
Other names: c.591+12T>G (NM_001282548.2); c.1944+12T>G (NM_001282543.2); c.648+12T>G (NM_001282545.2); c.462+12T>G (NM_001282549.2).
Identifiers: ClinVar variation 4827598 (VCV004827598.1).